The following is an entry in ClinVar:

NM_012282.4(KCNE5):c.337_338delinsAA (p.Ala113Asn)

Gene: KCNE5 (potassium voltage-gated channel subfamily E regulatory subunit 5; minus strand). Cytogenetic location: Xq23.
Variant type: Indel.
Coding change: c.337_338delinsAA on transcript NM_012282.4 (MANE Select); coding-DNA positions 337 to 338, GC replaced by AA.
Protein change: p.Ala113Asn; replaces alanine 113 with asparagine.
Molecular consequence: missense variant.
Genome position (GRCh38, 1-based): chrX:109,624,683-109,624,684, GC replaced by TT on the plus strand (GC replaced by AA on the coding strand, the reverse complement: KCNE5 is on the minus strand). VCF-style: chrX-109624683-GC-TT. GRCh37 (hg19) VCF-style: chrX-108867912-GC-TT.
Other names: short protein forms A113N.
Identifiers: ClinVar variation 1410843 (VCV001410843.6), dbSNP rs2147333788, ClinGen allele CA2573159172.

ClinVar aggregate classification (germline): Uncertain significance (1 of 4 stars; one submission).

Conditions:
Brugada syndrome. Also called: Sudden Unexplained Death Syndrome; Sudden Unexplained Nocturnal Death Syndrome (SUNDS); Sudden unexplained nocturnal death syndrome; Sudden unexpected nocturnal death syndrome. Identifiers: Orphanet 130, MedGen C1142166, MONDO:0015263.

Submission:

Labcorp Genetics (formerly Invitae), Labcorp
Classification: Uncertain significance for Brugada syndrome. Last evaluated: 2021-12-01. Review status: criteria provided, single submitter. Criteria: Invitae Variant Classification Sherloc (09022015). Collection method: clinical testing. Allele origin: germline.
Comment: This sequence change replaces alanine, which is neutral and non-polar, with asparagine, which is neutral and polar, at codon 113 of the KCNE5 protein (p.Ala113Asn). Information on the frequency of this variant in the gnomAD database is not available, as this variant may be reported differently in the database. This variant has not been reported in the literature in individuals affected with KCNE5-related conditions. Algorithms developed to predict the effect of missense changes on protein structure and function are either unavailable or do not agree on the potential impact of this missense change (SIFT: "Not Available"; PolyPhen-2: "Benign"; Align-GVGD: "Not Available"). In summary, the available evidence is currently insufficient to determine the role of this variant in disease. Therefore, it has been classified as a Variant of Uncertain Significance.